The following is an entry in ClinVar:

ClinVar aggregate classification (germline): Uncertain significance. Review status: criteria provided, multiple submitters, no conflicts (2 of 4 stars). 2 submissions from 2 submitters: Uncertain significance (2). Last evaluated 2025-11-20.

Conditions:
Inborn genetic diseases. Identifiers: MedGen C0950123, MeSH D030342.

Allele frequency attached by ClinVar (database versions not stated): gnomAD 0.00001; TOPMed 0.00001.
gnomAD v4.1: 6 of 1,614,004 alleles (0.00037%); highest among the groups gnomAD compares: Admixed American, 0.0033%; no homozygotes.

Submissions (2):

Ambry Genetics
Classification: Uncertain significance for Inborn genetic diseases. Last evaluated: 2025-11-20. Review status: criteria provided, single submitter. Criteria: Ambry Variant Classification Scheme 2023. Collection method: clinical testing. Allele origin: germline.

Labcorp Genetics (formerly Invitae), Labcorp
Classification: Uncertain significance. Last evaluated: 2022-05-25. Review status: criteria provided, single submitter. Criteria: Invitae Variant Classification Sherloc (09022015). Collection method: clinical testing. Allele origin: germline.
Comment: This sequence change replaces proline, which is neutral and non-polar, with serine, which is neutral and polar, at codon 59 of the WISP3 protein (p.Pro59Ser). This variant is present in population databases (no rsID available, gnomAD 0.003%). This variant has not been reported in the literature in individuals affected with WISP3-related conditions. Algorithms developed to predict the effect of missense changes on protein structure and function are either unavailable or do not agree on the potential impact of this missense change (SIFT: "Tolerated"; PolyPhen-2: "Possibly Damaging"; Align-GVGD: "Class C0"). In summary, the available evidence is currently insufficient to determine the role of this variant in disease. Therefore, it has been classified as a Variant of Uncertain Significance.

NM_198239.2(CCN6):c.175C>T (p.Pro59Ser)

Gene: CCN6 (cellular communication network factor 6; plus strand). Cytogenetic location: 6q21.
Variant type: single nucleotide variant.
Coding change: c.175C>T on transcript NM_198239.2 (MANE Select); coding-DNA position 175, C replaced by T.
Protein change: p.Pro59Ser; replaces proline 59 with serine.
Molecular consequence: missense variant. On other transcripts: non-coding transcript variant (2).
Genome position (GRCh38, 1-based): chr6:112,061,117, C>T. VCF-style: chr6-112061117-C-T. GRCh37 (hg19) VCF-style: chr6-112382320-C-T.
Other names: c.175C>T, p.Pro59Ser (NM_003880.4); c.175C>T (NM_003880.3); short protein forms P59S.
Identifiers: ClinVar variation 1967964 (VCV001967964.3), dbSNP rs991418553, ClinGen allele CA144880785.